The following is an entry in ClinVar:

ClinVar aggregate classification (germline): Conflicting classifications of pathogenicity. Review status: criteria provided, conflicting classifications (1 of 4 stars). 2 submissions from 2 submitters: Uncertain significance (1); Likely benign (1). Last evaluated 2023-03-23.

Conditions:
Hereditary cancer-predisposing syndrome. Also called: Neoplastic Syndromes, Hereditary; Hereditary Cancer Syndrome; Tumor predisposition; Hereditary neoplastic syndrome. Identifiers: Orphanet 140162, MedGen C0027672, MeSH D009386, MONDO:0015356.

Submissions (2):

University of Washington Department of Laboratory Medicine, University of Washington
Classification: Likely benign for Hereditary cancer-predisposing syndrome. Last evaluated: 2023-03-23. Review status: criteria provided, single submitter. Criteria: Dines et al. (Genet Med. 2020). Collection method: curation. Allele origin: germline.
Comment: Missense variant in a coldspot region where missense variants are very unlikely to be pathogenic (PMID:31911673).

BRCA1 coldspot (exon 11 using historical exon numbering). Reclassification based on statistical prior probability

Color Diagnostics, LLC DBA Color Health
Classification: Uncertain significance for Hereditary cancer-predisposing syndrome. Last evaluated: 2019-05-30. Review status: criteria provided, single submitter. Criteria: ACMG Guidelines, 2015. Collection method: clinical testing. Allele origin: germline.

NM_007294.4(BRCA1):c.1375A>C (p.Lys459Gln)

Gene: BRCA1 (BRCA1 DNA repair associated; minus strand). Cytogenetic location: 17q21.31.
Variant type: single nucleotide variant.
Coding change: c.1375A>C on transcript NM_007294.4 (MANE Select); coding-DNA position 1375, A replaced by C.
Protein change: p.Lys459Gln; replaces lysine 459 with glutamine.
Molecular consequence: missense variant. On other transcripts: intron variant (137).
Genome position (GRCh38, 1-based): chr17:43,094,156, T>G on the plus strand (A>C on the coding strand, the complement: BRCA1 is on the minus strand). VCF-style: chr17-43094156-T-G. GRCh37 (hg19) VCF-style: chr17-41246173-T-G.
Other names: c.1375A>C, p.Lys459Gln (NM_001407621.1, NM_001407622.1, NM_001407623.1 and 30 more transcripts); c.1372A>C, p.Lys458Gln (NM_001407627.1, NM_001407628.1, NM_001407629.1 and 22 more transcripts); c.1366A>C, p.Lys456Gln (NM_001407646.1, NM_001407647.1); c.1252A>C, p.Lys418Gln (NM_001407648.1, NM_001407664.1, NM_001407665.1 and 19 more transcripts); c.1249A>C, p.Lys417Gln (NM_001407649.1, NM_001407670.1, NM_001407671.1 and 11 more transcripts); c.1297A>C, p.Lys433Gln (NM_001407653.1, NM_001407654.1, NM_001407655.1 and 4 more transcripts); c.1294A>C, p.Lys432Gln (NM_001407659.1, NM_001407660.1, NM_001407661.1 and 1 more transcripts); c.1234A>C, p.Lys412Gln (NM_001407692.1, NM_001407694.1, NM_001407695.1 and 29 more transcripts); and 40 more; short protein forms K412Q, K459Q, K388Q, K418Q, K332Q, K371Q, K392Q, K417Q.
Identifiers: ClinVar variation 928010 (VCV000928010.5), dbSNP rs886039947, ClinGen allele CA10599295.